The following is an entry in ClinVar:

ClinVar aggregate classification (germline): Uncertain significance (0 of 4 stars; one submission).

Conditions:
SRPRA-related disorder. Also called: SRPRA-related condition.

gnomAD v4.1: 1 of 1,613,916 alleles (0.000062%); highest among the groups gnomAD compares: African/African-American, 0.0013%; no homozygotes.

Submission:

PreventionGenetics, part of Exact Sciences
Classification: Uncertain significance for SRPRA-related condition. Last evaluated: 2024-09-25. Review status: no assertion criteria provided. Collection method: clinical testing. Allele origin: germline.
Comment: The SRPRA c.1717C>T variant is predicted to result in the amino acid substitution p.His573Tyr. To our knowledge, this variant has not been reported in the literature or in a large population database, indicating this variant is rare. At this time, the clinical significance of this variant is uncertain due to the absence of conclusive functional and genetic evidence.

NM_003139.4(SRPRA):c.1717C>T (p.His573Tyr)

Gene: SRPRA (SRP receptor subunit alpha; minus strand). Cytogenetic location: 11q24.2.
Variant type: single nucleotide variant.
Coding change: c.1717C>T on transcript NM_003139.4 (MANE Select); coding-DNA position 1717, C replaced by T.
Protein change: p.His573Tyr; replaces histidine 573 with tyrosine.
Molecular consequence: missense variant.
Genome position (GRCh38, 1-based): chr11:126,264,262, G>A on the plus strand (C>T on the coding strand, the complement: SRPRA is on the minus strand). VCF-style: chr11-126264262-G-A. GRCh37 (hg19) VCF-style: chr11-126134157-G-A.
Other names: c.1633C>T, p.His545Tyr (NM_001177842.2); short protein forms H545Y, H573Y.
Identifiers: ClinVar variation 3346044 (VCV003346044.1).